The following is an entry in ClinVar:

ClinVar aggregate classification (germline): Likely benign. Review status: criteria provided, multiple submitters, no conflicts (2 of 4 stars). 2 submissions from 2 submitters: Likely benign (2). Last evaluated 2025-10-10.

Submissions (2):

Mayo Clinic Laboratories, Mayo Clinic
Classification: Likely benign. Last evaluated: 2025-10-10. Review status: criteria provided, single submitter. Criteria: ACMG Guidelines, 2015. Collection method: clinical testing. Allele origin: germline. Observed: 1 variant allele.
Comment: BS1, BP4, BP7

Blueprint Genetics
Classification: Likely benign. Last evaluated: 2023-10-02. Review status: criteria provided, single submitter. Criteria: ACMG Guidelines, 2015. Collection method: clinical testing. Allele origin: germline.

NM_001365276.2(TNXB):c.10878C>T (p.Gly3626=)

Genes: TNXB (tenascin XB; minus strand), LOC106780803 (tenascin XB recombination region; plus strand). Cytogenetic location: 6p21.33.
Variant type: single nucleotide variant.
Coding change: c.10878C>T on transcript NM_001365276.2 (MANE Select); coding-DNA position 10878, C replaced by T.
Protein change: p.Gly3626=; no amino-acid change (glycine 3626 retained).
Molecular consequence: synonymous variant.
Genome position (GRCh38, 1-based): chr6:32,045,055, G>A on the plus strand (C>T on the coding strand, the complement: TNXB is on the minus strand). VCF-style: chr6-32045055-G-A. GRCh37 (hg19) VCF-style: chr6-32012832-G-A.
Other names: p.Gly3624=; c.11619C>T, p.Gly3873= (NM_001428335.1); c.10872C>T, p.Gly3624= (NM_019105.8); c.165C>T, p.Gly55= (NM_032470.4).
Identifiers: ClinVar variation 4684947 (VCV004684947.2).
Genomic context (GRCh38, chr6:32,045,055, plus strand): 5'-CCTGGTGGTACCTGTGGTGCCCTCAGCTGAGAGGGGCCCCAGGCGCTTCCCTTCATGGAG[G>A]CCATAGAGGAGGAACCTGTAGGGGGTGCTGGGCTCCAGGCCTGAGATGAGGATCTTGCTC-3'
Protein context (NP_001352205.1, residues 3616-3636): PSTPYRFLLY[Gly3626=]LHEGKRLGPL